The following is an entry in ClinVar:

ClinVar aggregate classification (germline): Uncertain significance (1 of 4 stars; one submission).

gnomAD v4.1: 2 of 1,607,796 alleles (0.00012%); highest among the groups gnomAD compares: Non-Finnish European, 0.00017%; no homozygotes.

Submission:

Labcorp Genetics (formerly Invitae), Labcorp
Classification: Uncertain significance. Last evaluated: 2025-01-20. Review status: criteria provided, single submitter. Criteria: Invitae Variant Classification Sherloc (09022015). Collection method: clinical testing. Allele origin: germline.
Comment: This sequence change replaces glutamine, which is neutral and polar, with glutamic acid, which is acidic and polar, at codon 612 of the FOCAD protein (p.Gln612Glu). This variant is present in population databases (no rsID available, gnomAD 0.0009%). This variant has not been reported in the literature in individuals affected with FOCAD-related conditions. Experimental studies and prediction algorithms are not available or were not evaluated, and the functional significance of this variant is currently unknown. In summary, the available evidence is currently insufficient to determine the role of this variant in disease. Therefore, it has been classified as a Variant of Uncertain Significance.

NM_001375567.1(FOCAD):c.1834C>G (p.Gln612Glu)

Gene: FOCAD (focadhesin; plus strand). Cytogenetic location: 9p21.3.
Variant type: single nucleotide variant.
Coding change: c.1834C>G on transcript NM_001375567.1 (MANE Select); coding-DNA position 1834, C replaced by G.
Protein change: p.Gln612Glu; replaces glutamine 612 with glutamic acid.
Molecular consequence: missense variant.
Genome position (GRCh38, 1-based): chr9:20,823,029, C>G. VCF-style: chr9-20823029-C-G. GRCh37 (hg19) VCF-style: chr9-20823028-C-G.
Other names: c.1729C>G, p.Gln577Glu (NM_001375568.1, NM_001375570.1); c.1834C>G, p.Gln612Glu (NM_017794.5); short protein forms Q577E, Q612E.
Identifiers: ClinVar variation 3661433 (VCV003661433.2).